The following is an entry in ClinVar:

ClinVar aggregate classification (germline): Conflicting classifications of pathogenicity. Review status: criteria provided, conflicting classifications (1 of 4 stars). 3 submissions from 3 submitters: Uncertain significance (1); Likely benign (2). Last evaluated 2024-06-22.

Conditions:
Familial thoracic aortic aneurysm and aortic dissection (TAAD). Also called: Thoracic aortic aneurysms and dissections. Identifiers: Orphanet 91387, MedGen C4707243, MONDO:0019625.
Adams-Oliver syndrome 5 (AOS5). Identifiers: Orphanet 974, MedGen C4014970, MONDO:0014459, OMIM 616028.

Allele frequency attached by ClinVar (database versions not stated): gnomAD exomes 0.00001.
gnomAD v4.1: 10 of 1,610,392 alleles (0.00062%); highest among the groups gnomAD compares: Non-Finnish European, 0.00085%; no homozygotes.

Submissions (3):

Labcorp Genetics (formerly Invitae), Labcorp
Classification: Likely benign for Adams-Oliver syndrome 5. Last evaluated: 2024-06-22. Review status: criteria provided, single submitter. Criteria: Invitae Variant Classification Sherloc (09022015). Collection method: clinical testing. Allele origin: germline.

Women's Health and Genetics/Laboratory Corporation of America, LabCorp
Classification: Likely benign. Last evaluated: 2023-11-20. Review status: criteria provided, single submitter. Criteria: LabCorp Variant Classification Summary - May 2015. Collection method: clinical testing. Allele origin: germline.
Comment: Variant summary: NOTCH1 c.2626A>G (p.Ser876Gly) results in a non-conservative amino acid change in the encoded protein sequence. Two of four in-silico tools predict a benign effect of the variant on protein function. The variant allele was found at a frequency of 6.9e-06 in 1458172 control chromosomes. The observed variant frequency is approximately 10.97 fold of the estimated maximal expected allele frequency for a pathogenic variant in NOTCH1 causing Adams-Oliver Syndrome 5 phenotype (6.3e-07), strongly suggesting that the variant is benign. To our knowledge, no occurrence of c.2626A>G in individuals affected with Adams-Oliver Syndrome 5 and no experimental evidence demonstrating its impact on protein function have been reported. One submitter has cited clinical-significance assessments for this variant to ClinVar after 2014 and has classified the variant as uncertain significance. Based on the evidence outlined above, the variant was classified as likely benign.

Ambry Genetics
Classification: Uncertain significance for Familial thoracic aortic aneurysm and aortic dissection. Last evaluated: 2023-05-18. Review status: criteria provided, single submitter. Criteria: Ambry Variant Classification Scheme 2023. Collection method: clinical testing. Allele origin: germline.
Comment: The p.S876G variant (also known as c.2626A>G), located in coding exon 17 of the NOTCH1 gene, results from an A to G substitution at nucleotide position 2626. The serine at codon 876 is replaced by glycine, an amino acid with similar properties. This amino acid position is conserved. In addition, this alteration is predicted to be tolerated by in silico analysis. Since supporting evidence is limited at this time, the clinical significance of this alteration remains unclear.

NM_017617.5(NOTCH1):c.2626A>G (p.Ser876Gly)

Gene: NOTCH1 (notch receptor 1; minus strand). Cytogenetic location: 9q34.3.
Variant type: single nucleotide variant.
Coding change: c.2626A>G on transcript NM_017617.5 (MANE Select); coding-DNA position 2626, A replaced by G.
Protein change: p.Ser876Gly; replaces serine 876 with glycine.
Molecular consequence: missense variant.
Genome position (GRCh38, 1-based): chr9:136,510,767, T>C on the plus strand (A>G on the coding strand, the complement: NOTCH1 is on the minus strand). VCF-style: chr9-136510767-T-C. GRCh37 (hg19) VCF-style: chr9-139405219-T-C.
Other names: short protein forms S876G.
Identifiers: ClinVar variation 2566654 (VCV002566654.5), dbSNP rs1291929434, ClinGen allele CA375554992.